The following is an entry in ClinVar:

ClinVar aggregate classification (germline): Likely benign (0 of 4 stars; one submission).

Conditions:
RAI1-related disorder. Also called: RAI1-related condition.

Submission:

PreventionGenetics, part of Exact Sciences
Classification: Likely benign for RAI1-related condition. Last evaluated: 2023-07-06. Review status: no assertion criteria provided. Collection method: clinical testing. Allele origin: germline.
Comment: This variant is classified as likely benign based on ACMG/AMP sequence variant interpretation guidelines (Richards et al. 2015 PMID: 25741868, with internal and published modifications).

NM_030665.4(RAI1):c.1998C>G (p.Ala666=)

Gene: RAI1 (retinoic acid induced 1; plus strand). Cytogenetic location: 17p11.2.
Variant type: single nucleotide variant.
Coding change: c.1998C>G on transcript NM_030665.4 (MANE Select); coding-DNA position 1998, C replaced by G.
Protein change: p.Ala666=; no amino-acid change (alanine 666 retained).
Molecular consequence: synonymous variant.
Genome position (GRCh38, 1-based): chr17:17,794,946, C>G. VCF-style: chr17-17794946-C-G. GRCh37 (hg19) VCF-style: chr17-17698260-C-G.
Identifiers: ClinVar variation 3351140 (VCV003351140.1).
Genomic context (GRCh38, chr17:17,794,946, plus strand): 5'-CAGCGCCTGCCTGGACTCTGTGGCCAAGAGTGCGTGGCCCCGGCCTGGGGAGCCGGAGGC[C>G]CTGCCCGACTCCTTGCAGCTGGACAAGGGCGGCAATGCCAAGGACTTCAGCCCAGGGCTG-3'
Protein context (NP_109590.3, residues 656-676): SAWPRPGEPE[Ala666=]LPDSLQLDKG